The following is an entry in ClinVar:

NM_138694.4(PKHD1):c.6948G>A (p.Met2316Ile)

Gene: PKHD1 (PKHD1 ciliary IPT domain containing fibrocystin/polyductin; minus strand). Cytogenetic location: 6p12.2.
Variant type: single nucleotide variant.
Coding change: c.6948G>A on transcript NM_138694.4 (MANE Select); coding-DNA position 6948, G replaced by A.
Protein change: p.Met2316Ile; replaces methionine 2316 with isoleucine.
Molecular consequence: missense variant.
Genome position (GRCh38, 1-based): chr6:51,903,645, C>T on the plus strand (G>A on the coding strand, the complement: PKHD1 is on the minus strand). VCF-style: chr6-51903645-C-T. GRCh37 (hg19) VCF-style: chr6-51768443-C-T.
Other names: c.6948G>A, p.Met2316Ile (NM_170724.3); short protein forms M2316I.
Identifiers: ClinVar variation 636344 (VCV000636344.3), dbSNP rs1402541240, ClinGen allele CA364429725.
Genomic context (GRCh38, chr6:51,903,645, plus strand): 5'-TGAACATCTTACCTCTATAACATTGGTGGGACTGCAGATATAGATGCCAGATGGTGTCAA[C>T]ATTTCAGGATTGGAGAGTCCCTCGGCACCAGAAACCTGGATGATCACGTTGTTTCTTATT-3'
Protein context (NP_619639.3, residues 2306-2326): SGAEGLSNPE[Met2316Ile]LTPSGIYICS

ClinVar aggregate classification (germline): Uncertain significance. Review status: criteria provided, multiple submitters, no conflicts (2 of 4 stars). 2 submissions from 2 submitters: Uncertain significance (2). Last evaluated 2025-12-17.

Conditions:
Autosomal recessive polycystic kidney disease (ARPKD). Also called: AR polycystic kidney disease. Identifiers: Orphanet 731, Orphanet 8378, MedGen C0085548, MeSH D017044, MONDO:0009889.

Allele frequency attached by ClinVar (database versions not stated): TOPMed 0.00001; gnomAD 0.00002 and 0.00003.
gnomAD v4.1: 15 of 1,611,480 alleles (0.00093%); highest among the groups gnomAD compares: East Asian, 0.011%; no homozygotes.

Submissions (2):

Labcorp Genetics (formerly Invitae), Labcorp
Classification: Uncertain significance for Autosomal recessive polycystic kidney disease. Last evaluated: 2025-12-17. Review status: criteria provided, single submitter. Criteria: Invitae Variant Classification Sherloc (09022015). Collection method: clinical testing. Allele origin: germline.
Comment: This sequence change replaces methionine, which is neutral and non-polar, with isoleucine, which is neutral and non-polar, at codon 2316 of the PKHD1 protein (p.Met2316Ile). This variant is present in population databases (no rsID available, gnomAD 0.1%). This variant has not been reported in the literature in individuals affected with PKHD1-related conditions. ClinVar contains an entry for this variant (Variation ID: 636344). Invitae Evidence Modeling of protein sequence and biophysical properties (such as structural, functional, and spatial information, amino acid conservation, physicochemical variation, residue mobility, and thermodynamic stability) indicates that this missense variant is not expected to disrupt PKHD1 protein function with a negative predictive value of 95%. In summary, the available evidence is currently insufficient to determine the role of this variant in disease. Therefore, it has been classified as a Variant of Uncertain Significance.

Blueprint Genetics
Classification: Uncertain significance. Last evaluated: 2024-04-02. Review status: criteria provided, single submitter. Criteria: ACMG Guidelines, 2015. Collection method: clinical testing. Allele origin: germline.